The following is an entry in ClinVar:

ClinVar aggregate classification (germline): Uncertain significance (1 of 4 stars; one submission).

gnomAD v4.1: 3 of 1,614,094 alleles (0.00019%); highest among the groups gnomAD compares: South Asian, 0.0033%; no homozygotes.

Submission:

Labcorp Genetics (formerly Invitae), Labcorp
Classification: Uncertain significance. Last evaluated: 2024-08-11. Review status: criteria provided, single submitter. Criteria: Invitae Variant Classification Sherloc (09022015). Collection method: clinical testing. Allele origin: germline.
Comment: This sequence change replaces glycine, which is neutral and non-polar, with serine, which is neutral and polar, at codon 1126 of the SETBP1 protein (p.Gly1126Ser). This variant is present in population databases (no rsID available, gnomAD 0.003%). This variant has not been reported in the literature in individuals affected with SETBP1-related conditions. Advanced modeling of protein sequence and biophysical properties (such as structural, functional, and spatial information, amino acid conservation, physicochemical variation, residue mobility, and thermodynamic stability) performed at Invitae indicates that this missense variant is not expected to disrupt SETBP1 protein function with a negative predictive value of 80%. In summary, the available evidence is currently insufficient to determine the role of this variant in disease. Therefore, it has been classified as a Variant of Uncertain Significance.

NM_015559.3(SETBP1):c.3376G>A (p.Gly1126Ser)

Gene: SETBP1 (SET binding protein 1; plus strand). Cytogenetic location: 18q12.3.
Variant type: single nucleotide variant.
Coding change: c.3376G>A on transcript NM_015559.3 (MANE Select); coding-DNA position 3376, G replaced by A.
Protein change: p.Gly1126Ser; replaces glycine 1126 with serine.
Molecular consequence: missense variant.
Genome position (GRCh38, 1-based): chr18:44,952,716, G>A. VCF-style: chr18-44952716-G-A. GRCh37 (hg19) VCF-style: chr18-42532681-G-A.
Other names: c.3376G>A, p.Gly1126Ser (NM_001379141.1, NM_001379142.1, NM_001410862.1); short protein forms G1126S.
Identifiers: ClinVar variation 3719269 (VCV003719269.2).